The following is an entry in ClinVar:

NM_001378969.1(KCND3):c.375G>A (p.Pro125=)

Gene: KCND3 (potassium voltage-gated channel subfamily D member 3; minus strand). Cytogenetic location: 1p13.2.
Variant type: single nucleotide variant.
Coding change: c.375G>A on transcript NM_001378969.1 (MANE Select); coding-DNA position 375, G replaced by A.
Protein change: p.Pro125=; no amino-acid change (proline 125 retained).
Molecular consequence: synonymous variant.
Genome position (GRCh38, 1-based): chr1:111,982,352, C>T on the plus strand (G>A on the coding strand, the complement: KCND3 is on the minus strand). VCF-style: chr1-111982352-C-T. GRCh37 (hg19) VCF-style: chr1-112524974-C-T.
Other names: p.Pro125=; c.375G>A, p.Pro125= (NM_001378970.1, NM_004980.5, NM_172198.3).
Identifiers: ClinVar variation 380951 (VCV000380951.23), dbSNP rs2289723, ClinGen allele CA1007606.

ClinVar aggregate classification (germline): Benign. Review status: criteria provided, multiple submitters, no conflicts (2 of 4 stars). 9 submissions from 9 submitters: Benign (7). 2 of the submissions do not count toward it. Last evaluated 2026-02-03.

Conditions:
Spinocerebellar ataxia type 19/22 (SCA19). Also called: SPINOCEREBELLAR ATAXIA 22; SPINOCEREBELLAR ATAXIA 19. Identifiers: Orphanet 98772, MedGen C1846367, MONDO:0011819, OMIM 607346.
Cardiovascular phenotype. Identifiers: MedGen CN230736.

Allele frequency attached by ClinVar (database versions not stated): gnomAD exomes 0.01862; ExAC 0.01919; ESP Exome Variant Server 0.02099; TOPMed 0.02661; 1000 Genomes Project 30x 0.04388; 1000 Genomes Project 0.04513.
gnomAD v4.1: 15,565 of 1,614,078 alleles (0.96%); highest among the groups gnomAD compares: East Asian, 13%; 581 homozygotes.

Submissions (21):

Labcorp Genetics (formerly Invitae), Labcorp
Classification: Benign for Spinocerebellar ataxia type 19/22. Last evaluated: 2026-02-03. Review status: criteria provided, single submitter. Criteria: Invitae Variant Classification Sherloc (09022015). Collection method: clinical testing. Allele origin: germline.

Athena Diagnostics
Classification: Benign. Last evaluated: 2023-11-13. Review status: criteria provided, single submitter. Criteria: Athena Diagnostics Criteria. Collection method: clinical testing. Allele origin: unknown.

Women's Health and Genetics/Laboratory Corporation of America, LabCorp
Classification: Benign. Last evaluated: 2023-04-09. Review status: criteria provided, single submitter. Criteria: LabCorp Variant Classification Summary - May 2015. Collection method: clinical testing. Allele origin: germline.

Mayo Clinic Laboratories, Mayo Clinic
Classification: Benign. Last evaluated: 2023-04-06. Review status: criteria provided, single submitter. Criteria: ACMG Guidelines, 2015. Collection method: clinical testing. Allele origin: germline. Observed: 28 variant alleles.

GeneDx
Classification: Benign. Last evaluated: 2016-10-26. Review status: criteria provided, single submitter. Criteria: GeneDx Variant Classification (06012015). Collection method: clinical testing. Allele origin: germline. Affected: yes.
Comment: This variant is considered likely benign or benign based on one or more of the following criteria: it is a conservative change, it occurs at a poorly conserved position in the protein, it is predicted to be benign by multiple in silico algorithms, and/or has population frequency not consistent with disease.

Ambry Genetics
Classification: Benign for Cardiovascular phenotype. Last evaluated: 2015-06-09. Review status: criteria provided, single submitter. Criteria: Ambry Variant Classification Scheme 2023. Collection method: clinical testing. Allele origin: germline.

Breakthrough Genomics
Classification: Benign. Review status: criteria provided, single submitter. Criteria: ACMG Guidelines, 2015. Collection method: not provided. Allele origin: germline. Inheritance: Autosomal dominant inheritance. Affected: yes.

Clinical Genetics DNA and cytogenetics Diagnostics Lab, Erasmus MC, Erasmus Medical Center
Classification: Benign. Review status: no assertion criteria provided. Collection method: clinical testing. Allele origin: germline. Affected: yes. Study: VKGL Data-share Consensus. Not counted in ClinVar's aggregate classification.

Clinical Genetics, Academic Medical Center
Classification: Benign. Review status: no assertion criteria provided. Collection method: clinical testing. Allele origin: germline. Affected: yes. Study: VKGL Data-share Consensus. Not counted in ClinVar's aggregate classification.

Dr. Peter K. Rogan Lab, Western University
No classification provided (evidence only). Condition: Clear cell carcinoma of kidney. Review status: no classification provided. Collection method: in vitro. Allele origin: not applicable. Functional consequence: retained intron. Not counted in ClinVar's aggregate classification.

Dr. Peter K. Rogan Lab, Western University
No classification provided (evidence only). Condition: Clear cell carcinoma of kidney. Review status: no classification provided. Collection method: in vitro. Allele origin: not applicable. Functional consequence: retained intron. Not counted in ClinVar's aggregate classification.

Dr. Peter K. Rogan Lab, Western University
No classification provided (evidence only). Condition: Cervical cancer. Review status: no classification provided. Collection method: in vitro. Allele origin: not applicable. Functional consequence: retained intron. Not counted in ClinVar's aggregate classification.

Dr. Peter K. Rogan Lab, Western University
No classification provided (evidence only). Condition: Sarcoma. Review status: no classification provided. Collection method: in vitro. Allele origin: not applicable. Functional consequence: retained intron. Not counted in ClinVar's aggregate classification.

Dr. Peter K. Rogan Lab, Western University
No classification provided (evidence only). Condition: Thyroid cancer, nonmedullary, 1. Review status: no classification provided. Collection method: in vitro. Allele origin: not applicable. Functional consequence: retained intron. Not counted in ClinVar's aggregate classification.

Dr. Peter K. Rogan Lab, Western University
No classification provided (evidence only). Condition: Uterine corpus endometrial carcinoma. Review status: no classification provided. Collection method: in vitro. Allele origin: not applicable. Functional consequence: retained intron. Not counted in ClinVar's aggregate classification.

Dr. Peter K. Rogan Lab, Western University
No classification provided (evidence only). Condition: Clear cell carcinoma of kidney. Review status: no classification provided. Collection method: in vitro. Allele origin: not applicable. Functional consequence: retained intron. Not counted in ClinVar's aggregate classification.

Dr. Peter K. Rogan Lab, Western University
No classification provided (evidence only). Condition: Clear cell carcinoma of kidney. Review status: no classification provided. Collection method: in vitro. Allele origin: not applicable. Functional consequence: retained intron. Not counted in ClinVar's aggregate classification.

Dr. Peter K. Rogan Lab, Western University
No classification provided (evidence only). Condition: Ovarian serous cystadenocarcinoma. Review status: no classification provided. Collection method: in vitro. Allele origin: not applicable. Functional consequence: retained intron. Not counted in ClinVar's aggregate classification.

Dr. Peter K. Rogan Lab, Western University
No classification provided (evidence only). Condition: Malignant tumor of esophagus. Review status: no classification provided. Collection method: in vitro. Allele origin: not applicable. Functional consequence: retained intron. Not counted in ClinVar's aggregate classification.

Dr. Peter K. Rogan Lab, Western University
No classification provided (evidence only). Condition: Lung cancer. Review status: no classification provided. Collection method: in vitro. Allele origin: not applicable. Functional consequence: retained intron. Not counted in ClinVar's aggregate classification.

Dr. Peter K. Rogan Lab, Western University
No classification provided (evidence only). Condition: Malignant tumor of esophagus. Review status: no classification provided. Collection method: in vitro. Allele origin: not applicable. Functional consequence: retained intron. Not counted in ClinVar's aggregate classification.

Literature cited by the submitters: PubMed 15563876 (cited by Athena Diagnostics); PubMed 11310586 (cited by Athena Diagnostics); PubMed 26374734 (cited by Athena Diagnostics).